The following is an entry in ClinVar:

NM_001567.4(INPPL1):c.430C>T (p.Arg144Cys)

Gene: INPPL1 (inositol polyphosphate phosphatase like 1; plus strand). Cytogenetic location: 11q13.4.
Variant type: single nucleotide variant.
Coding change: c.430C>T on transcript NM_001567.4 (MANE Select); coding-DNA position 430, C replaced by T.
Protein change: p.Arg144Cys; replaces arginine 144 with cysteine.
Molecular consequence: missense variant.
Genome position (GRCh38, 1-based): chr11:72,228,759, C>T. VCF-style: chr11-72228759-C-T. GRCh37 (hg19) VCF-style: chr11-71939803-C-T.
Other names: short protein forms R144C.
Identifiers: ClinVar variation 1955986 (VCV001955986.5), dbSNP rs1463179209, ClinGen allele CA381718527.
Genomic context (GRCh38, chr11:72,228,759, plus strand): 5'-ACGGCTGCCCACTGACCCCTGCCCACAGATGGGGAGGATGAGAAGCCCCCGCTGCCCCCG[C>T]GCTCTGGCTCCACCAGCATTTCTGCCCCCACTGGGCCCAGCAGTCCCCTGCCAGCTCCTG-3'
Protein context (NP_001558.3, residues 134-154): GEDEKPPLPP[Arg144Cys]SGSTSISAPT

ClinVar aggregate classification (germline): Uncertain significance (1 of 4 stars; one submission).

Allele frequency attached by ClinVar (database versions not stated): TOPMed 0.00001; gnomAD exomes 0.00002.

Submission:

Labcorp Genetics (formerly Invitae), Labcorp
Classification: Uncertain significance. Last evaluated: 2022-12-02. Review status: criteria provided, single submitter. Criteria: Invitae Variant Classification Sherloc (09022015). Collection method: clinical testing. Allele origin: germline.
Comment: Algorithms developed to predict the effect of missense changes on protein structure and function are either unavailable or do not agree on the potential impact of this missense change (SIFT: "Deleterious"; PolyPhen-2: "Possibly Damaging"; Align-GVGD: "Class C0"). In summary, the available evidence is currently insufficient to determine the role of this variant in disease. Therefore, it has been classified as a Variant of Uncertain Significance. This variant has not been reported in the literature in individuals affected with INPPL1-related conditions. This variant is present in population databases (no rsID available, gnomAD 0.01%). This sequence change replaces arginine, which is basic and polar, with cysteine, which is neutral and slightly polar, at codon 144 of the INPPL1 protein (p.Arg144Cys).